The following is an entry in ClinVar:

NM_000059.4(BRCA2):c.8632+2424A>T

Gene: BRCA2 (BRCA2 DNA repair associated; plus strand). Cytogenetic location: 13q13.1.
Variant type: single nucleotide variant.
Coding change: c.8632+2424A>T on transcript NM_000059.4 (MANE Select); 2424 bases into the intron after coding-DNA position 8632, A replaced by T.
Molecular consequence: intron variant.
Genome position (GRCh38, 1-based): chr13:32,373,524, A>T. VCF-style: chr13-32373524-A-T. GRCh37 (hg19) VCF-style: chr13-32947661-A-T.
Other names: IVS 20+2424A>T.
Identifiers: ClinVar variation 209828 (VCV000209828.1), dbSNP rs138326030, ClinGen allele CA276796.

ClinVar aggregate classification (germline): Benign (3 of 4 stars; one submission).

Conditions:
Breast-ovarian cancer, familial, susceptibility to, 2 (BROVCA2). Also called: BRCA2 Hereditary Breast and Ovarian Cancer. Identifiers: Orphanet 145, MedGen C2675520, MONDO:0012933, OMIM 612555. Disease mechanism: loss of function.

Allele frequency attached by ClinVar (database versions not stated): gnomAD 0.01477; 1000 Genomes Project 0.02097; TOPMed 0.02128; 1000 Genomes Project 30x 0.02452.
gnomAD v4.1: 3,292 of 152,168 alleles (2.2%); highest among the groups gnomAD compares: Admixed American, 6.4%; 80 homozygotes.

Submission:

Evidence-based Network for the Interpretation of Germline Mutant Alleles (ENIGMA)
Classification: Benign for Breast-ovarian cancer, familial 2. Last evaluated: 2015-01-12. Review status: reviewed by expert panel. Criteria: ENIGMA BRCA1/2 Classification Criteria (2015). Collection method: curation. Allele origin: germline.
Comment: Class 1 not pathogenic based on frequency >1% in an outbred sampleset. Frequency 0.03659 (African), derived from 1000 genomes (2012-04-30).